The following is an entry in ClinVar:

ClinVar aggregate classification (germline): Uncertain significance (1 of 4 stars; one submission).

Allele frequency attached by ClinVar (database versions not stated): gnomAD exomes below 0.00001; ExAC 0.00001; gnomAD 0.00006 and 0.00007; ESP Exome Variant Server 0.00008.
gnomAD v4.1: 11 of 1,481,372 alleles (0.00074%); highest among the groups gnomAD compares: African/African-American, 0.013%; no homozygotes.

Submission:

Labcorp Genetics (formerly Invitae), Labcorp
Classification: Uncertain significance. Last evaluated: 2025-04-26. Review status: criteria provided, single submitter. Criteria: Invitae Variant Classification Sherloc (09022015). Collection method: clinical testing. Allele origin: germline.
Comment: This sequence change replaces alanine, which is neutral and non-polar, with valine, which is neutral and non-polar, at codon 170 of the COL9A2 protein (p.Ala170Val). This variant is present in population databases (rs146672981, gnomAD 0.01%). This variant has not been reported in the literature in individuals affected with COL9A2-related conditions. ClinVar contains an entry for this variant (Variation ID: 1465519). Invitae Evidence Modeling of protein sequence and biophysical properties (such as structural, functional, and spatial information, amino acid conservation, physicochemical variation, residue mobility, and thermodynamic stability) indicates that this missense variant is not expected to disrupt COL9A2 protein function with a negative predictive value of 95%. In summary, the available evidence is currently insufficient to determine the role of this variant in disease. Therefore, it has been classified as a Variant of Uncertain Significance.

NM_001852.4(COL9A2):c.509C>T (p.Ala170Val)

Gene: COL9A2 (collagen type IX alpha 2 chain; minus strand). Cytogenetic location: 1p34.2.
Variant type: single nucleotide variant.
Coding change: c.509C>T on transcript NM_001852.4 (MANE Select); coding-DNA position 509, C replaced by T.
Protein change: p.Ala170Val; replaces alanine 170 with valine.
Molecular consequence: missense variant.
Genome position (GRCh38, 1-based): chr1:40,311,510, G>A on the plus strand (C>T on the coding strand, the complement: COL9A2 is on the minus strand). VCF-style: chr1-40311510-G-A. GRCh37 (hg19) VCF-style: chr1-40777182-G-A.
Other names: short protein forms A170V.
Identifiers: ClinVar variation 1465519 (VCV001465519.8), dbSNP rs146672981, ClinGen allele CA791896.
Genomic context (GRCh38, chr1:40,311,510, plus strand): 5'-CTGTGGCCCCGCCCCCCTGTGTTAGCCCCGCCCCAGACCTCGTCTCTCACCAGGAAATCC[G>A]CACTGCCTTCCAGACCCTGGATGGTTCCCGGGCGACCCTGAGAGGAGACATGAAGATGGA-3'
Protein context (NP_001843.1, residues 160-180): PGTIQGLEGS[Ala170Val]DFLCPTNCPP